The following is an entry in ClinVar:

NM_005765.3(ATP6AP2):c.1028C>G (p.Thr343Arg)

Gene: ATP6AP2 (ATPase H+ transporting accessory protein 2; plus strand). Cytogenetic location: Xp11.4.
Variant type: single nucleotide variant.
Coding change: c.1028C>G on transcript NM_005765.3 (MANE Select); coding-DNA position 1028, C replaced by G.
Protein change: p.Thr343Arg; replaces threonine 343 with arginine.
Molecular consequence: missense variant.
Genome position (GRCh38, 1-based): chrX:40,605,730, C>G. VCF-style: chrX-40605730-C-G. GRCh37 (hg19) VCF-style: chrX-40464982-C-G.
Other names: short protein forms T343R.
Identifiers: ClinVar variation 1698994 (VCV001698994.3), dbSNP rs2146547270, ClinGen allele CA412759327.

ClinVar aggregate classification (germline): Uncertain significance (1 of 4 stars; one submission).

Conditions:
Congenital disorder of glycosylation, type IIr. Also called: CDG IIr. Identifiers: MedGen C5393313, MONDO:0026765, OMIM 301045.

Submission:

Victorian Clinical Genetics Services, Murdoch Childrens Research Institute
Classification: Uncertain significance for Congenital disorder of glycosylation, type IIr. Last evaluated: 2022-02-02. Review status: criteria provided, single submitter. Criteria: ACMG Guidelines, 2015. Collection method: clinical testing. Allele origin: germline. Inheritance: X-linked recessive inheritance. Affected: yes.
Comment: Based on the classification scheme VCGS_Germline_v1.3.4, this variant is classified as VUS-3B. Following criteria are met: 0105 - The mechanism of disease for this gene is not clearly established. However, loss of function is a likely mechanism of disease (PMID: 29127204). (I) 0109 - This gene is associated with X-linked recessive disease. (I) 0200 - Variant is predicted to result in a missense amino acid change from threonine to arginine. (I) 0253 - This variant is hemizygous. (I) 0301 - Variant is absent from gnomAD (both v2 and v3). (SP) 0502 - Missense variant with conflicting in silico predictions and uninformative conservation. (I) 0600 - Variant is located in the annotated renin domain (NCBI). (I) 0705 - No comparable missense variants have previous evidence for pathogenicity. (I) 0807 - This variant has no previous evidence of pathogenicity. (I) 0905 - No published segregation evidence has been identified for this variant. (I) 1007 - No published functional evidence has been identified for this variant. (I) Legend: (SP) - Supporting pathogenic, (I) - Information, (SB) - Supporting benign

Literature cited by the submitters: PubMed 29127204.